The following is an entry in ClinVar:

NC_012920.1(MT-ND4L):m.10600C>T

Gene: MT-ND4L (mitochondrially encoded NADH dehydrogenase 4L; plus strand).
Variant type: single nucleotide variant.
Genome position: chrM-10600-C-T.
Identifiers: ClinVar variation 693300 (VCV000693300.1), dbSNP rs1603222912, ClinGen allele CA414806021.

ClinVar aggregate classification (germline): Uncertain significance (1 of 4 stars; one submission).

Conditions:
Leigh syndrome (NULS). Also called: Leigh's necrotizing encephalopathy; Leigh's disease; Leigh Syndrome (mtDNA deletion); Leigh Disease; Subacute necrotizing encephalopathy; Necrotizing encephalopathy infantile subacute of Leigh. Identifiers: Orphanet 506, MedGen C2931891, MONDO:0009723, OMIM 256000.

Submission:

Wong Mito Lab, Molecular and Human Genetics, Baylor College of Medicine
Classification: Uncertain significance for Leigh syndrome. Last evaluated: 2019-10-17. Review status: criteria provided, single submitter. Criteria: Modified ACMG Guidelines (Unpublished). Collection method: clinical testing. Allele origin: germline.
Comment: The NC_012920.1:m.10600C>T (YP_003024034.1:p.Ala44Val) variant in MTND4L gene is interpretated to be a Uncertain Significance variant based on the modified ACMG guidelines (unpublished). This variant meets the following evidence codes: BP4